The following is an entry in ClinVar:

ClinVar aggregate classification (germline): Benign/Likely benign. Review status: criteria provided, multiple submitters, no conflicts (2 of 4 stars). 24 submissions from 17 submitters: Benign (14); Likely benign (7). 3 of the submissions do not count toward it. Last evaluated 2026-07-01.

Conditions:
Dilated cardiomyopathy 1G (CMD1G). Identifiers: Orphanet 154, MedGen C1858763, MONDO:0011400, OMIM 604145.
Autosomal recessive limb-girdle muscular dystrophy type 2J (LGMDR10). Also called: MUSCULAR DYSTROPHY, LIMB-GIRDLE, AUTOSOMAL RECESSIVE 10; Limb-girdle muscular dystrophy, type 2J. Identifiers: Orphanet 140922, MedGen C1837342, MONDO:0012127, OMIM 608807.
Cardiomyopathy (CMYO). Also called: Cardiomyopathies. Identifiers: Orphanet 167848, MedGen C0878544, MONDO:0004994, HP:0001638. Inheritance: Various modes of inheritance.
Early-onset myopathy with fatal cardiomyopathy (CMYO5). Also called: CONGENITAL MYOPATHY 5 WITH CARDIOMYOPATHY; Salih Myopathy. Identifiers: Orphanet 289377, MedGen C2673677, MONDO:0012714, OMIM 611705. Disease mechanism: loss of function.
Myopathy, myofibrillar, 9, with early respiratory failure (MFM9). Also called: Myopathy, distal, with early respiratory failure, autosomal dominant; Hereditary myopathy with early respiratory failure; MYOPATHY, PROXIMAL, WITH EARLY RESPIRATORY MUSCLE INVOLVEMENT; EDSTROM MYOPATHY. Identifiers: Orphanet 178464, Orphanet 34521, MedGen C1863599, MONDO:0011362, OMIM 603689.
Tibial muscular dystrophy (TMD). Also called: Udd Distal Myopathy – Tibial Muscular Dystrophy; Tibial muscular dystrophy, tardive; UDD MYOPATHY. Identifiers: Orphanet 609, MedGen C1838244, MONDO:0010870, OMIM 600334.

Allele frequency attached by ClinVar (database versions not stated): gnomAD 0.00089 and 0.00080; 1000 Genomes Project 0.00300; TOPMed 0.00097; 1000 Genomes Project 30x 0.00328; gnomAD exomes 0.00034 and 0.00114; ESP Exome Variant Server 0.00035; ExAC 0.00082.
gnomAD v4.1: 711 of 1,465,152 alleles (0.049%); highest among the groups gnomAD compares: East Asian, 1.2%; 9 homozygotes.

Submissions (24):

CeGaT Center for Human Genetics Tuebingen
Classification: Likely benign. Last evaluated: 2026-07-01. Review status: criteria provided, single submitter. Criteria: CeGaT Center For Human Genetics Tuebingen Variant Classification Criteria Version 2. Collection method: clinical testing. Allele origin: germline. Affected: yes. Observed: 5 variant alleles.
Comment: TTN: BS1

Labcorp Genetics (formerly Invitae), Labcorp
Classification: Benign for Dilated cardiomyopathy 1G; Autosomal recessive limb-girdle muscular dystrophy type 2J. Last evaluated: 2026-02-04. Review status: criteria provided, single submitter. Criteria: Invitae Variant Classification Sherloc (09022015). Collection method: clinical testing. Allele origin: germline.

Molecular Diagnostic Laboratory for Inherited Cardiovascular Disease, Montreal Heart Institute
Classification: Benign. Last evaluated: 2025-04-09. Review status: criteria provided, single submitter. Criteria: ACMG Guidelines, 2015. Collection method: clinical testing. Allele origin: germline. Affected: no.

ARUP Laboratories, Molecular Genetics and Genomics, ARUP Laboratories
Classification: Benign. Last evaluated: 2025-04-08. Review status: criteria provided, single submitter. Criteria: ARUP Molecular Germline Variant Investigation Process 2024. Collection method: clinical testing. Allele origin: germline.

Blueprint Genetics
Classification: Likely benign. Last evaluated: 2024-11-26. Review status: criteria provided, single submitter. Criteria: ACMG Guidelines, 2015. Collection method: clinical testing. Allele origin: germline.

Mayo Clinic Laboratories, Mayo Clinic
Classification: Benign. Last evaluated: 2024-05-20. Review status: criteria provided, single submitter. Criteria: ACMG Guidelines, 2015. Collection method: clinical testing. Allele origin: germline. Observed: 7 variant alleles.
Comment: BS1, BS2

Genome-Nilou Lab
Classification: Benign for Autosomal recessive limb-girdle muscular dystrophy type 2J. Last evaluated: 2021-09-10. Review status: criteria provided, single submitter. Criteria: ACMG Guidelines, 2015. Collection method: clinical testing. Allele origin: germline. Affected: no.

Genome-Nilou Lab
Classification: Benign for Myopathy, myofibrillar, 9, with early respiratory failure. Last evaluated: 2021-09-10. Review status: criteria provided, single submitter. Criteria: ACMG Guidelines, 2015. Collection method: clinical testing. Allele origin: germline. Affected: no.

Genome-Nilou Lab
Classification: Benign for Early-onset myopathy with fatal cardiomyopathy. Last evaluated: 2021-09-10. Review status: criteria provided, single submitter. Criteria: ACMG Guidelines, 2015. Collection method: clinical testing. Allele origin: germline. Affected: no.

Genome-Nilou Lab
Classification: Benign for Tibial muscular dystrophy. Last evaluated: 2021-09-10. Review status: criteria provided, single submitter. Criteria: ACMG Guidelines, 2015. Collection method: clinical testing. Allele origin: germline. Affected: no.

Women's Health and Genetics/Laboratory Corporation of America, LabCorp
Classification: Benign. Last evaluated: 2021-04-15. Review status: criteria provided, single submitter. Criteria: LabCorp Variant Classification Summary - May 2015. Collection method: clinical testing. Allele origin: germline.

CHEO Genetics Diagnostic Laboratory, Children's Hospital of Eastern Ontario
Classification: Benign for Cardiomyopathy. Last evaluated: 2018-05-04. Review status: criteria provided, single submitter. Criteria: ACMG Guidelines, 2015. Collection method: clinical testing. Allele origin: germline.

Athena Diagnostics
Classification: Benign. Last evaluated: 2018-04-19. Review status: criteria provided, single submitter. Criteria: Athena Diagnostics Criteria. Collection method: clinical testing. Allele origin: germline.

Illumina Laboratory Services, Illumina
Classification: Likely benign for Dilated cardiomyopathy 1G. Last evaluated: 2018-01-12. Review status: criteria provided, single submitter. Criteria: ICSL Variant Classification Criteria 13 December 2019. Collection method: clinical testing. Allele origin: germline.
Comment: This variant was observed in the ICSL laboratory as part of a predisposition screen in an ostensibly healthy population. It had not been previously curated by ICSL or reported in the Human Gene Mutation Database (HGMD: prior to June 1st, 2018), and was therefore a candidate for classification through an automated scoring system. Utilizing variant allele frequency, disease prevalence and penetrance estimates, and inheritance mode, an automated score was calculated to assess if this variant is too frequent to cause the disease. Based on the score and internal cut-off values, a variant classified as likely benign is not then subjected to further curation. The score for this variant resulted in a classification of likely benign for this disease.

Illumina Laboratory Services, Illumina
Classification: Likely benign for Early-onset myopathy with fatal cardiomyopathy. Last evaluated: 2018-01-12. Review status: criteria provided, single submitter. Criteria: ICSL Variant Classification Criteria 13 December 2019. Collection method: clinical testing. Allele origin: germline.
Comment: the same text as in the submission from Illumina Laboratory Services, Illumina above.

Illumina Laboratory Services, Illumina
Classification: Benign for Tibial muscular dystrophy. Last evaluated: 2018-01-12. Review status: criteria provided, single submitter. Criteria: ICSL Variant Classification Criteria 13 December 2019. Collection method: clinical testing. Allele origin: germline.
Comment: This variant was observed in the ICSL laboratory as part of a predisposition screen in an ostensibly healthy population. It had not been previously curated by ICSL or reported in the Human Gene Mutation Database (HGMD: prior to June 1st, 2018), and was therefore a candidate for classification through an automated scoring system. Utilizing variant allele frequency, disease prevalence and penetrance estimates, and inheritance mode, an automated score was calculated to assess if this variant is too frequent to cause the disease. Based on the score and internal cut-off values, a variant classified as benign is not then subjected to further curation. The score for this variant resulted in a classification of benign for this disease.

Illumina Laboratory Services, Illumina
Classification: Likely benign for Autosomal recessive limb-girdle muscular dystrophy type 2J. Last evaluated: 2018-01-12. Review status: criteria provided, single submitter. Criteria: ICSL Variant Classification Criteria 13 December 2019. Collection method: clinical testing. Allele origin: germline.
Comment: the same text as in the submission from Illumina Laboratory Services, Illumina above.

Illumina Laboratory Services, Illumina
Classification: Benign for Myopathy, myofibrillar, 9, with early respiratory failure. Last evaluated: 2018-01-12. Review status: criteria provided, single submitter. Criteria: ICSL Variant Classification Criteria 13 December 2019. Collection method: clinical testing. Allele origin: germline.
Comment: the same text as in the submission from Illumina Laboratory Services, Illumina above.

Laboratory for Molecular Medicine, Mass General Brigham Personalized Medicine
Classification: Likely benign. Last evaluated: 2015-06-24. Review status: criteria provided, single submitter. Criteria: LMM Criteria. Collection method: clinical testing. Allele origin: germline. Observed: 4 variant alleles.
Comment: c.29075-10T>A in intron 130 of TTN: This variant is not expected to have clinica l significance because it has been identified in 2.2% (14/644) of East Asian chr omosomes by the Exome Aggregation Consortium (ExAC, rg; dbSNP rs138192315).

GeneDx
Classification: Benign. Last evaluated: 2014-03-19. Review status: criteria provided, single submitter. Criteria: GeneDx Variant Classification (06012015). Collection method: clinical testing. Allele origin: germline. Affected: yes.
Comment: This variant is considered likely benign or benign based on one or more of the following criteria: it is a conservative change, it occurs at a poorly conserved position in the protein, it is predicted to be benign by multiple in silico algorithms, and/or has population frequency not consistent with disease.

PreventionGenetics, part of Exact Sciences
Classification: Likely benign. Review status: criteria provided, single submitter. Criteria: ACMG Guidelines, 2015. Collection method: clinical testing. Allele origin: germline.

Clinical Genetics DNA and cytogenetics Diagnostics Lab, Erasmus MC, Erasmus Medical Center
Classification: Benign. Review status: no assertion criteria provided. Collection method: clinical testing. Allele origin: germline. Affected: yes. Study: VKGL Data-share Consensus. Not counted in ClinVar's aggregate classification.

Clinical Genetics, Academic Medical Center
Classification: Benign. Review status: no assertion criteria provided. Collection method: clinical testing. Allele origin: germline. Affected: yes. Study: VKGL Data-share Consensus. Not counted in ClinVar's aggregate classification.

Joint Genome Diagnostic Labs from Nijmegen and Maastricht, Radboudumc and MUMC+
Classification: Benign. Review status: no assertion criteria provided. Collection method: clinical testing. Allele origin: germline. Affected: yes. Study: VKGL Data-share Consensus. Not counted in ClinVar's aggregate classification.

NM_001267550.2(TTN):c.32807-10T>A

Gene: TTN (titin; minus strand). Cytogenetic location: 2q31.2.
Variant type: single nucleotide variant.
Coding change: c.32807-10T>A on transcript NM_001267550.2 (MANE Select); 10 bases into the intron before coding-DNA position 32807, T replaced by A.
Molecular consequence: intron variant.
Genome position (GRCh38, 1-based): chr2:178,683,301, A>T on the plus strand (T>A on the coding strand, the complement: TTN is on the minus strand). VCF-style: chr2-178683301-A-T. GRCh37 (hg19) VCF-style: chr2-179548028-A-T.
Other names: p.?; c.13283-40984T>A (NM_003319.4); c.13859-40984T>A (NM_133437.4); c.13658-40984T>A (NM_133432.3); c.29075-10T>A (NM_133378.4); c.31856-10T>A (NM_001256850.1).
Identifiers: ClinVar variation 46880 (VCV000046880.47), dbSNP rs138192315, ClinGen allele CA283134.